The following is an entry in ClinVar:

NM_015215.4(CAMTA1):c.939C>T (p.His313=)

Gene: CAMTA1 (calmodulin binding transcription activator 1; plus strand). Cytogenetic location: 1p36.23.
Variant type: single nucleotide variant.
Coding change: c.939C>T on transcript NM_015215.4 (MANE Select); coding-DNA position 939, C replaced by T.
Protein change: p.His313=; no amino-acid change (histidine 313 retained).
Molecular consequence: synonymous variant.
Genome position (GRCh38, 1-based): chr1:7,663,486, C>T. VCF-style: chr1-7663486-C-T. GRCh37 (hg19) VCF-style: chr1-7723546-C-T.
Other names: p.His313=; c.849C>T, p.His283= (NM_001349608.2, NM_001349612.2); c.939C>T, p.His313= (NM_001349609.2, NM_001349610.2).
Identifiers: ClinVar variation 755858 (VCV000755858.34), dbSNP rs373350834, ClinGen allele CA566334.

ClinVar aggregate classification (germline): Benign/Likely benign. Review status: criteria provided, multiple submitters, no conflicts (2 of 4 stars). 4 submissions from 4 submitters: Benign (2); Likely benign (2). Last evaluated 2026-08-01.

Allele frequency attached by ClinVar (database versions not stated): ESP Exome Variant Server 0.00038; TOPMed 0.00051; gnomAD 0.00070; gnomAD exomes 0.00089; ExAC 0.00104.
gnomAD v4.1: 1,425 of 1,597,986 alleles (0.089%); highest among the groups gnomAD compares: Non-Finnish European, 0.11%; 2 homozygotes.

Submissions (4):

CeGaT Center for Human Genetics Tuebingen
Classification: Likely benign. Last evaluated: 2026-08-01. Review status: criteria provided, single submitter. Criteria: CeGaT Center For Human Genetics Tuebingen Variant Classification Criteria Version 2. Collection method: clinical testing. Allele origin: germline. Affected: yes. Observed: 6 variant alleles.
Comment: CAMTA1: BP4, BP7, BS1

Labcorp Genetics (formerly Invitae), Labcorp
Classification: Benign. Last evaluated: 2025-12-13. Review status: criteria provided, single submitter. Criteria: Invitae Variant Classification Sherloc (09022015). Collection method: clinical testing. Allele origin: germline.

Mayo Clinic Laboratories, Mayo Clinic
Classification: Benign. Last evaluated: 2025-05-02. Review status: criteria provided, single submitter. Criteria: ACMG Guidelines, 2015. Collection method: clinical testing. Allele origin: germline. Observed: 1 variant allele.
Comment: BS1, BS2, BP4, BP7

Blueprint Genetics
Classification: Likely benign. Last evaluated: 2024-10-18. Review status: criteria provided, single submitter. Criteria: ACMG Guidelines, 2015. Collection method: clinical testing. Allele origin: germline.